The following is an entry in ClinVar:

ClinVar aggregate classification (germline): Uncertain significance (1 of 4 stars; one submission).

Conditions:
Fanconi anemia (FA). Also called: Fanconi's anemia. Identifiers: Orphanet 84, MedGen C0015625, MeSH D005199, MONDO:0019391.

Submission:

Labcorp Genetics (formerly Invitae), Labcorp
Classification: Uncertain significance for Fanconi anemia. Last evaluated: 2024-12-16. Review status: criteria provided, single submitter. Criteria: Invitae Variant Classification Sherloc (09022015). Collection method: clinical testing. Allele origin: germline.
Comment: This variant, c.3338_3340del, results in the deletion of 1 amino acid(s) of the SLX4 protein (p.Gly1113del), but otherwise preserves the integrity of the reading frame. This variant is not present in population databases (gnomAD no frequency). This variant has not been reported in the literature in individuals affected with SLX4-related conditions. ClinVar contains an entry for this variant (Variation ID: 1390137). Experimental studies and prediction algorithms are not available or were not evaluated, and the functional significance of this variant is currently unknown. In summary, the available evidence is currently insufficient to determine the role of this variant in disease. Therefore, it has been classified as a Variant of Uncertain Significance.

NM_032444.4(SLX4):c.3338_3340del (p.Gly1113del)

Gene: SLX4 (SLX4 structure-specific endonuclease subunit; minus strand). Cytogenetic location: 16p13.3.
Variant type: Deletion.
Coding change: c.3338_3340del on transcript NM_032444.4 (MANE Select); coding-DNA positions 3338 to 3340, 3 bases deleted (GGG; older notation c.3338_3340delGGG).
Protein change: p.Gly1113del; deletes glycine 1113.
Molecular consequence: inframe deletion.
Genome position (GRCh38, 1-based): chr16:3,590,298-3,590,300, CCC deleted on the plus strand (GGG on the coding strand, the reverse complement: SLX4 is on the minus strand); deleting any 3 consecutive bases within chr16:3,590,298-3,590,302 gives the same sequence; the c. name uses the placement nearest the transcript's 3' end. VCF-style (leftmost placement, unchanged base first): chr16-3590297-ACCC-A. GRCh37 (hg19) VCF-style: chr16-3640298-ACCC-A.
Other names: short protein forms G1113del.
Identifiers: ClinVar variation 1390137 (VCV001390137.6), dbSNP rs2151123784, ClinGen allele CA2573152108.